The following is an entry in ClinVar:

NM_003126.4(SPTA1):c.1085G>A (p.Arg362Lys)

Gene: SPTA1 (spectrin alpha, erythrocytic 1; minus strand). Cytogenetic location: 1q23.1.
Variant type: single nucleotide variant.
Coding change: c.1085G>A on transcript NM_003126.4 (MANE Select); coding-DNA position 1085, G replaced by A.
Protein change: p.Arg362Lys; replaces arginine 362 with lysine.
Molecular consequence: missense variant.
Genome position (GRCh38, 1-based): chr1:158,676,168, C>T on the plus strand (G>A on the coding strand, the complement: SPTA1 is on the minus strand). VCF-style: chr1-158676168-C-T. GRCh37 (hg19) VCF-style: chr1-158645958-C-T.
Other names: short protein forms R362K.
Identifiers: ClinVar variation 1515685 (VCV001515685.6), dbSNP rs201026759, ClinGen allele CA31264012.

ClinVar aggregate classification (germline): Uncertain significance (1 of 4 stars; one submission).

Allele frequency attached by ClinVar (database versions not stated): gnomAD exomes below 0.00001.
gnomAD v4.1: 1 of 1,613,670 alleles (0.000062%); highest among the groups gnomAD compares: Middle Eastern, 0.017%; no homozygotes.

Submission:

Labcorp Genetics (formerly Invitae), Labcorp
Classification: Uncertain significance. Last evaluated: 2021-11-23. Review status: criteria provided, single submitter. Criteria: Invitae Variant Classification Sherloc (09022015). Collection method: clinical testing. Allele origin: germline.
Comment: This sequence change replaces arginine, which is basic and polar, with lysine, which is basic and polar, at codon 362 of the SPTA1 protein (p.Arg362Lys). This variant is present in population databases (rs201026759, gnomAD 0.0009%). In summary, the available evidence is currently insufficient to determine the role of this variant in disease. Therefore, it has been classified as a Variant of Uncertain Significance. Algorithms developed to predict the effect of missense changes on protein structure and function (SIFT, PolyPhen-2, Align-GVGD) all suggest that this variant is likely to be disruptive. This variant has not been reported in the literature in individuals affected with SPTA1-related conditions.